The following is an entry in ClinVar:

NM_000069.3(CACNA1S):c.436del (p.Gln146fs)

Gene: CACNA1S (calcium voltage-gated channel subunit alpha1 S; minus strand). Cytogenetic location: 1q32.1.
Variant type: Deletion.
Coding change: c.436del on transcript NM_000069.3 (MANE Select); coding-DNA position 436, one base deleted (C; older notation c.436delC).
Protein change: p.Gln146fs; shifts the reading frame from glutamine 146.
Molecular consequence: frameshift variant.
Genome position (GRCh38, 1-based): chr1:201,092,077, G deleted on the plus strand (C on the coding strand, the reverse complement: CACNA1S is on the minus strand); the first of 2 consecutive G bases (chr1:201,092,077-201,092,078); deleting either gives the same sequence. VCF-style (leftmost placement, unchanged base first): chr1-201092076-TG-T. GRCh37 (hg19) VCF-style: chr1-201061204-TG-T.
Other names: short protein forms Q146fs.
Identifiers: ClinVar variation 1069371 (VCV001069371.7), dbSNP rs2102164740, ClinGen allele CA2499214399.

ClinVar aggregate classification (germline): Pathogenic (1 of 4 stars; one submission).

Conditions:
Hypokalemic periodic paralysis, type 1. Also called: HypoPP; Hypokalemic Periodic Paralysis Type 1 (AD). Identifiers: Orphanet 681, MedGen C3714580, MONDO:0042979, OMIM 170400.
Malignant hyperthermia, susceptibility to, 5 (MHS5). Also called: CACNA1S-Related Malignant Hyperthermia Susceptibility. Identifiers: Orphanet 423, MedGen C1866077, MONDO:0011163, OMIM 601887.

Submission:

Labcorp Genetics (formerly Invitae), Labcorp
Classification: Pathogenic for Hypokalemic periodic paralysis, type 1; Malignant hyperthermia, susceptibility to, 5. Last evaluated: 2018-03-22. Review status: criteria provided, single submitter. Criteria: Invitae Variant Classification Sherloc (09022015). Collection method: clinical testing. Allele origin: germline.
Comment: For these reasons, this variant has been classified as Pathogenic. Loss-of-function variants in CACNA1S are known to be pathogenic (PMID: 26247046, 28012042). This variant has not been reported in the literature in individuals with CACNA1S-related disease. This variant is not present in population databases (ExAC no frequency). This sequence change creates a premature translational stop signal (p.Gln146Lysfs*7) in the CACNA1S gene. It is expected to result in an absent or disrupted protein product.

Literature cited by the submitters: PubMed 26247046; PubMed 28012042.